The following is an entry in ClinVar:

NM_017739.4(POMGNT1):c.1759_1763del (p.Phe587fs)

Genes: POMGNT1 (protein O-linked mannose N-acetylglucosaminyltransferase 1 (beta 1,2-); minus strand), TSPAN1 (tetraspanin 1; plus strand). Cytogenetic location: 1p34.1.
Variant type: Deletion.
Coding change: c.1759_1763del on transcript NM_017739.4 (MANE Select); coding-DNA positions 1759 to 1763, 5 bases deleted (TTCAC; older notation c.1759_1763delTTCAC).
Protein change: p.Phe587fs; shifts the reading frame from phenylalanine 587.
Molecular consequence: frameshift variant.
Genome position (GRCh38, 1-based): chr1:46,189,876-46,189,880, GTGAA deleted on the plus strand (TTCAC on the coding strand, the reverse complement: POMGNT1 is on the minus strand); deleting any 5 consecutive bases within chr1:46,189,876-46,189,882 gives the same sequence; the c. name uses the placement nearest the transcript's 3' end. VCF-style (leftmost placement, unchanged base first): chr1-46189875-GGTGAA-G. GRCh37 (hg19) VCF-style: chr1-46655547-GGTGAA-G.
Other names: c.1759_1763del, p.Phe587fs (NM_001243766.2, NM_001410783.1); c.1691_1695delACTTC, p.Phe565Hisfs (NM_001290129.3); c.1330_1334del, p.Phe444fs (NM_001290130.2); short protein forms F565fs, F587fs, F444fs.
Identifiers: ClinVar variation 1455052 (VCV001455052.9), dbSNP rs1302430730, ClinGen allele CA736239944.
Genomic context (GRCh38, chr1:46,189,875, plus strand): 5'-GGGGAGGGGTTCTCCAGGGTGGGCATGGTATTGGAGCACCTTGGCAAGCTGGGTCCAGGT[GGTGAA>G]GTCATCATCTTTCTCCATTCGAATAAAGGCCACGTAGGTGTGGCCCTCTGTGTCTGGCAG-3'

ClinVar aggregate classification (germline): Pathogenic/Likely pathogenic. Review status: criteria provided, multiple submitters, no conflicts (2 of 4 stars). 4 submissions from 4 submitters: Pathogenic (3); Likely pathogenic (1). Last evaluated 2025-11-07.

Conditions:
Autosomal recessive limb-girdle muscular dystrophy type 2O. Also called: Limb-Girdle Muscular Dystrophy Type 3C; MUSCULAR DYSTROPHY-DYSTROGLYCANOPATHY (LIMB-GIRDLE), TYPE C, 3; MUSCULAR DYSTROPHY-DYSTROGLYCANOPATHY, LIMB-GIRDLE, POMGNT1-RELATED. Identifiers: Orphanet 206564, MedGen C3150417, MONDO:0013161, OMIM 613157.
Muscular dystrophy-dystroglycanopathy (congenital with impaired intellectual development), type B, 3. Also called: Muscular dystrophy-dystroglycanopathy (congenital with intellectual disability), type B3; MUSCULAR DYSTROPHY, CONGENITAL, POMGNT1-RELATED. Identifiers: MedGen C3150412, MONDO:0013155, OMIM 613151.
Myopathy caused by variation in POMGNT1. Identifiers: MedGen CN305639, MONDO:0700068.
Muscular dystrophy-dystroglycanopathy (congenital with brain and eye anomalies), type A3. Also called: Congenital muscular dystrophy-dystroglycanopathy with brain and eye anomalies, type A3; Muscular dystrophy-dystroglycanopathy (congenital with brain and eye anomalies), type A, 3; WALKER-WARBURG SYNDROME OR MUSCLE-EYE-BRAIN DISEASE, POMGNT1-RELATED. Identifiers: MedGen C3151519, MONDO:0009667, OMIM 253280.

Submissions (4):

Clinical Genetics Laboratory, University Hospital Schleswig-Holstein
Classification: Pathogenic for Autosomal recessive limb-girdle muscular dystrophy type 2O. Last evaluated: 2025-11-07. Review status: criteria provided, single submitter. Criteria: ACMG Guidelines, 2015. Collection method: clinical testing. Allele origin: paternal. Affected: yes. Observed: 1 heterozygote.
Comment: ACMG criteria applied: PM2, PVS1

Myriad Genetics, Inc.
Classification: Pathogenic for Myopathy caused by variation in POMGNT1. Last evaluated: 2025-07-18. Review status: criteria provided, single submitter. Criteria: Myriad Autosomal Dominant, Autosomal Recessive and X-Linked Classification Criteria (2023). Collection method: clinical testing. Allele origin: unknown.
Comment: NM_017739.3(POMGNT1):c.1759_1763del5(F587Hfs*98) is a frameshift variant that results in protein elongation classified as pathogenic in the context of POMGNT1-related disorders. F587Hfs*98 has not been observed in cases with relevant disease. Relevant functional assessments of this variant are not available in the literature. F587Hfs*98 has not been observed in referenced population frequency databases. In summary, NM_017739.3(POMGNT1):c.1759_1763del5(F587Hfs*98) is a frameshift variant that results in protein elongation in a gene where loss of function is a known mechanism of disease and is predicted to disrupt protein function. Please note: this variant was assessed in the context of healthy population screening.

Labcorp Genetics (formerly Invitae), Labcorp
Classification: Pathogenic for Autosomal recessive limb-girdle muscular dystrophy type 2O; Muscular dystrophy-dystroglycanopathy (congenital with impaired intellectual development), type B, 3. Last evaluated: 2023-12-14. Review status: criteria provided, single submitter. Criteria: Invitae Variant Classification Sherloc (09022015). Collection method: clinical testing. Allele origin: germline.
Comment: This sequence change results in a frameshift in the POMGNT1 gene (p.Phe587Hisfs*98). While this is not anticipated to result in nonsense mediated decay, it is expected to disrupt the last 74 amino acid(s) of the POMGNT1 protein and extend the protein by 23 additional amino acid residues. This variant is not present in population databases (gnomAD no frequency). This variant has not been reported in the literature in individuals affected with POMGNT1-related conditions. ClinVar contains an entry for this variant (Variation ID: 1455052). This variant disrupts a region of the POMGNT1 protein in which other variant(s) (p.Arg605His) have been determined to be pathogenic (PMID: 12849864, 21361872; Invitae). This suggests that this is a clinically significant region of the protein, and that variants that disrupt it are likely to be disease-causing. For these reasons, this variant has been classified as Pathogenic.

Baylor Genetics
Classification: Likely pathogenic for Muscular dystrophy-dystroglycanopathy (congenital with brain and eye anomalies), type A3. Last evaluated: 2023-08-17. Review status: criteria provided, single submitter. Criteria: ACMG Guidelines, 2015. Collection method: clinical testing. Allele origin: unknown.

Literature cited by the submitters: PubMed 12849864 (cited by Labcorp Genetics (formerly Invitae), Labcorp); PubMed 21361872 (cited by Labcorp Genetics (formerly Invitae), Labcorp).